The following is an entry in ClinVar:

ClinVar aggregate classification (germline): Likely benign. Review status: criteria provided, multiple submitters, no conflicts (2 of 4 stars). 4 submissions from 4 submitters: Likely benign (3). 1 of the submissions does not count toward it. Last evaluated 2026-09-21.

Conditions:
LMF1-related disorder. Also called: LMF1-related condition.
Cardiovascular phenotype. Identifiers: MedGen CN230736.

gnomAD v4.1: 14 of 1,609,608 alleles (0.00087%); highest among the groups gnomAD compares: East Asian, 0.027%; no homozygotes.

Submissions (4):

Molecular Diagnostic Laboratory for Inherited Cardiovascular Disease, Montreal Heart Institute
Classification: Likely benign. Last evaluated: 2026-09-21. Review status: criteria provided, single submitter. Criteria: ACMG Guidelines, 2015. Collection method: clinical testing. Allele origin: germline. Affected: no.
Comment: BP7

Labcorp Genetics (formerly Invitae), Labcorp
Classification: Likely benign. Last evaluated: 2025-12-16. Review status: criteria provided, single submitter. Criteria: Invitae Variant Classification Sherloc (09022015). Collection method: clinical testing. Allele origin: germline.

Ambry Genetics
Classification: Likely benign for Cardiovascular phenotype. Last evaluated: 2020-11-19. Review status: criteria provided, single submitter. Criteria: Ambry Variant Classification Scheme 2023. Collection method: clinical testing. Allele origin: germline.

PreventionGenetics, part of Exact Sciences
Classification: Likely benign for LMF1-related condition. Last evaluated: 2019-06-26. Review status: no assertion criteria provided. Collection method: clinical testing. Allele origin: germline. Not counted in ClinVar's aggregate classification.
Comment: This variant is classified as likely benign based on ACMG/AMP sequence variant interpretation guidelines (Richards et al. 2015 PMID: 25741868, with internal and published modifications).

NM_022773.4(LMF1):c.249G>A (p.Gly83=)

Gene: LMF1 (lipase maturation factor 1; minus strand). Cytogenetic location: 16p13.3.
Variant type: single nucleotide variant.
Coding change: c.249G>A on transcript NM_022773.4 (MANE Select); coding-DNA position 249, G replaced by A.
Protein change: p.Gly83=; no amino-acid change (glycine 83 retained).
Molecular consequence: synonymous variant. On other transcripts: 5 prime UTR variant (4), non-coding transcript variant (1).
Genome position (GRCh38, 1-based): chr16:954,611, C>T on the plus strand (G>A on the coding strand, the complement: LMF1 is on the minus strand). VCF-style: chr16-954611-C-T. GRCh37 (hg19) VCF-style: chr16-1004611-C-T.
Other names: c.-555G>A (NM_001352017.2); c.-306G>A (NM_001352018.2); c.-79G>A (NM_001352019.2); c.249G>A, p.Gly83= (NM_001352020.1); c.-457G>A (NM_001352021.2).
Identifiers: ClinVar variation 1792182 (VCV001792182.6), dbSNP rs779637596, ClinGen allele CA7797705.